The following is an entry in ClinVar:

NM_182931.3(KMT2E):c.1192A>G (p.Arg398Gly)

Gene: KMT2E (lysine methyltransferase 2E (inactive); plus strand). Cytogenetic location: 7q22.3.
Variant type: single nucleotide variant.
Coding change: c.1192A>G on transcript NM_182931.3 (MANE Select); coding-DNA position 1192, A replaced by G.
Protein change: p.Arg398Gly; replaces arginine 398 with glycine.
Molecular consequence: missense variant.
Genome position (GRCh38, 1-based): chr7:105,078,907, A>G. VCF-style: chr7-105078907-A-G. GRCh37 (hg19) VCF-style: chr7-104719354-A-G.
Other names: c.1192A>G, p.Arg398Gly (NM_001410908.1, NM_018682.4); short protein forms R398G.
Identifiers: ClinVar variation 4680991 (VCV004680991.1).

ClinVar aggregate classification (germline): Uncertain significance (1 of 4 stars; one submission).

Submission:

GeneDx
Classification: Uncertain significance. Last evaluated: 2025-06-26. Review status: criteria provided, single submitter. Criteria: GeneDx Variant Classification Process June 2021. Collection method: clinical testing. Allele origin: germline. Affected: yes.
Comment: Not observed at significant frequency in large population cohorts (gnomAD); In silico analysis supports that this missense variant has a deleterious effect on protein structure/function; Has not been previously published as pathogenic or benign to our knowledge; In silico analysis suggests this variant may impact gene splicing. In the absence of RNA/functional studies, the actual effect of this sequence change is unknown.